The following is an entry in ClinVar:

ClinVar aggregate classification (germline): Pathogenic (1 of 4 stars; one submission).

Conditions:
Aortic valve disease 2 (AOVD2). Identifiers: MedGen C3542024, MONDO:0013902, OMIM 614823.

Submission:

Labcorp Genetics (formerly Invitae), Labcorp
Classification: Pathogenic for Aortic valve disease 2. Last evaluated: 2024-01-08. Review status: criteria provided, single submitter. Criteria: Invitae Variant Classification Sherloc (09022015). Collection method: clinical testing. Allele origin: germline.
Comment: This sequence change creates a premature translational stop signal (p.Asn295Metfs*99) in the TBX5 gene. While this is not anticipated to result in nonsense mediated decay, it is expected to disrupt the last 224 amino acid(s) of the TBX5 protein. This variant is not present in population databases (gnomAD no frequency). This variant has not been reported in the literature in individuals affected with TBX5-related conditions. This variant disrupts a region of the TBX5 protein in which other variant(s) (p.Tyr368*) have been determined to be pathogenic (PMID: 8988164, 12789647, 16917909, 17534187, 25500235; Invitae). This suggests that this is a clinically significant region of the protein, and that variants that disrupt it are likely to be disease-causing. For these reasons, this variant has been classified as Pathogenic.

Literature cited by the submitters: PubMed 8988164; PubMed 12789647; PubMed 16917909; PubMed 17534187; PubMed 25500235.

NM_181486.4(TBX5):c.884del (p.Asn295fs)

Gene: TBX5 (T-box transcription factor 5; minus strand). Cytogenetic location: 12q24.21.
Variant type: Deletion.
Coding change: c.884del on transcript NM_181486.4 (MANE Select); coding-DNA position 884, one base deleted (A; older notation c.884delA).
Protein change: p.Asn295fs; shifts the reading frame from asparagine 295.
Molecular consequence: frameshift variant.
Genome position (GRCh38, 1-based): chr12:114,366,263, T deleted on the plus strand (A on the coding strand, the reverse complement: TBX5 is on the minus strand); the first of 2 consecutive T bases (chr12:114,366,263-114,366,264); deleting either gives the same sequence. VCF-style (leftmost placement, unchanged base first): chr12-114366262-AT-A. GRCh37 (hg19) VCF-style: chr12-114804067-AT-A.
Other names: c.884del, p.Asn295fs (NM_000192.3); c.734del, p.Asn245fs (NM_080717.4); short protein forms N245fs, N295fs.
Identifiers: ClinVar variation 2708191 (VCV002708191.3), dbSNP rs2540436238, ClinGen allele CA2697551537.